The following is an entry in ClinVar:

NM_005263.5(GFI1):c.827G>C (p.Arg276Thr)

Gene: GFI1 (growth factor independent 1 transcriptional repressor; minus strand). Cytogenetic location: 1p22.1.
Variant type: single nucleotide variant.
Coding change: c.827G>C on transcript NM_005263.5 (MANE Select); coding-DNA position 827, G replaced by C.
Protein change: p.Arg276Thr; replaces arginine 276 with threonine.
Molecular consequence: missense variant.
Genome position (GRCh38, 1-based): chr1:92,480,445, C>G on the plus strand (G>C on the coding strand, the complement: GFI1 is on the minus strand). VCF-style: chr1-92480445-C-G. GRCh37 (hg19) VCF-style: chr1-92946002-C-G.
Other names: c.827G>C, p.Arg276Thr (NM_001127215.3, NM_001127216.3); short protein forms R276T.
Identifiers: ClinVar variation 4263225 (VCV004263225.1).
Genomic context (GRCh38, chr1:92,480,445, plus strand): 5'-GCGTGCCCGAAGGTCTTGCCGCACATCTCGCAGGCAAAGGGTCTGGTACCGCTGTGGGAC[C>G]TGCGCACGTGCACCTCGAGCCCGTGCGGCGTGGAGAACACCTAAGGCGGGTGGGGCCAGA-3'
Protein context (NP_005254.2, residues 266-286): TPHGLEVHVR[Arg276Thr]SHSGTRPFAC

ClinVar aggregate classification (germline): Uncertain significance (1 of 4 stars; one submission).

Submission:

Ambry Genetics
Classification: Uncertain significance. Last evaluated: 2025-08-02. Review status: criteria provided, single submitter. Criteria: Ambry Variant Classification Scheme 2023. Collection method: clinical testing. Allele origin: germline.
Comment: The p.R276T variant (also known as c.827G>C), located in coding exon 4 of the GFI1 gene, results from a G to C substitution at nucleotide position 827. The arginine at codon 276 is replaced by threonine, an amino acid with similar properties. This amino acid position is conserved. In addition, the in silico prediction for this alteration is inconclusive. Based on the available evidence, the clinical significance of this variant remains unclear.